The following is an entry in ClinVar:

NM_153460.4(IL17RC):c.1625T>C (p.Leu542Pro)

Gene: IL17RC (interleukin 17 receptor C; plus strand). Cytogenetic location: 3p25.3.
Variant type: single nucleotide variant.
Coding change: c.1625T>C on transcript NM_153460.4 (MANE Select); coding-DNA position 1625, T replaced by C.
Protein change: p.Leu542Pro; replaces leucine 542 with proline.
Molecular consequence: missense variant. On other transcripts: non-coding transcript variant (1).
Genome position (GRCh38, 1-based): chr3:9,933,055, T>C. VCF-style: chr3-9933055-T-C. GRCh37 (hg19) VCF-style: chr3-9974739-T-C.
Other names: c.1466T>C, p.Leu489Pro (NM_001367279.1); c.1541T>C, p.Leu514Pro (NM_001367280.1); c.1490T>C, p.Leu497Pro (NM_001410711.1); c.1580T>C, p.Leu527Pro (NM_032732.6); c.1838T>C, p.Leu613Pro (NM_153461.4); c.1586T>C, p.Leu529Pro (NM_001203263.2); c.1535T>C, p.Leu512Pro (NM_001203264.2); c.1529T>C, p.Leu510Pro (NM_001203265.2); and 1 more; short protein forms L497P, L512P, L527P, L542P, L489P, L529P, L510P, L514P.
Identifiers: ClinVar variation 2991133 (VCV002991133.3), dbSNP rs2084933585, ClinGen allele CA351704989.
Genomic context (GRCh38, chr3:9,933,055, plus strand): 5'-ATGACTCGGGTTTCGAGCGCCTGGTGGGCGCCCTGGCGTCGGCCCTGTGCCAGCTGCCGC[T>C]GCGCGTGGCCGTAGACCTGTGGAGCCGTCGTGAACTGAGCGCGCAGGGGCCCGTGGCTTG-3'
Protein context (NP_703190.2, residues 532-552): ALASALCQLP[Leu542Pro]RVAVDLWSRR

ClinVar aggregate classification (germline): Uncertain significance (1 of 4 stars; one submission).

Conditions:
Candidiasis, familial, 9 (CANDF9). Identifiers: Orphanet 1334, MedGen C4225324, MONDO:0014642, OMIM 616445.

Allele frequency attached by ClinVar (database versions not stated): gnomAD 0.00001.

Submission:

Labcorp Genetics (formerly Invitae), Labcorp
Classification: Uncertain significance for Candidiasis, familial, 9. Last evaluated: 2024-01-02. Review status: criteria provided, single submitter. Criteria: Invitae Variant Classification Sherloc (09022015). Collection method: clinical testing. Allele origin: germline.
Comment: This sequence change replaces leucine, which is neutral and non-polar, with proline, which is neutral and non-polar, at codon 613 of the IL17RC protein (p.Leu613Pro). This variant is not present in population databases (gnomAD no frequency). This variant has not been reported in the literature in individuals affected with IL17RC-related conditions. An algorithm developed to predict the effect of missense changes on protein structure and function (PolyPhen-2) suggests that this variant is likely to be disruptive. In summary, the available evidence is currently insufficient to determine the role of this variant in disease. Therefore, it has been classified as a Variant of Uncertain Significance.